The following is an entry in ClinVar:

ClinVar aggregate classification (germline): Uncertain significance (1 of 4 stars; one submission).

Submission:

Labcorp Genetics (formerly Invitae), Labcorp
Classification: Uncertain significance. Last evaluated: 2023-08-04. Review status: criteria provided, single submitter. Criteria: Invitae Variant Classification Sherloc (09022015). Collection method: clinical testing. Allele origin: germline.
Comment: In summary, the available evidence is currently insufficient to determine the role of this variant in disease. Therefore, it has been classified as a Variant of Uncertain Significance. An algorithm developed to predict the effect of missense changes on protein structure and function (PolyPhen-2) suggests that this variant is likely to be disruptive. ClinVar contains an entry for this variant (Variation ID: 1906284). This variant has not been reported in the literature in individuals affected with ATR-related conditions. This variant is not present in population databases (gnomAD no frequency). This sequence change replaces glutamine, which is neutral and polar, with lysine, which is basic and polar, at codon 1830 of the ATR protein (p.Gln1830Lys).

NM_001184.4(ATR):c.5488C>A (p.Gln1830Lys)

Gene: ATR (ATR checkpoint kinase; minus strand). Cytogenetic location: 3q23.
Variant type: single nucleotide variant.
Coding change: c.5488C>A on transcript NM_001184.4 (MANE Select); coding-DNA position 5488, C replaced by A.
Protein change: p.Gln1830Lys; replaces glutamine 1830 with lysine.
Molecular consequence: missense variant.
Genome position (GRCh38, 1-based): chr3:142,498,667, G>T on the plus strand (C>A on the coding strand, the complement: ATR is on the minus strand). VCF-style: chr3-142498667-G-T. GRCh37 (hg19) VCF-style: chr3-142217509-G-T.
Other names: c.5296C>A, p.Gln1766Lys (NM_001354579.2); short protein forms Q1830K, Q1766K.
Identifiers: ClinVar variation 1906284 (VCV001906284.5), dbSNP rs2108341092, ClinGen allele CA354815775.